The following is an entry in ClinVar:

NM_006158.5(NEFL):c.194T>C (p.Met65Thr)

Gene: NEFL (neurofilament light chain; minus strand). Cytogenetic location: 8p21.2.
Variant type: single nucleotide variant.
Coding change: c.194T>C on transcript NM_006158.5 (MANE Select); coding-DNA position 194, T replaced by C.
Protein change: p.Met65Thr; replaces methionine 65 with threonine.
Molecular consequence: missense variant.
Genome position (GRCh38, 1-based): chr8:24,956,322, A>G on the plus strand (T>C on the coding strand, the complement: NEFL is on the minus strand). VCF-style: chr8-24956322-A-G. GRCh37 (hg19) VCF-style: chr8-24813836-A-G.
Other names: short protein forms M65T.
Identifiers: ClinVar variation 2658488 (VCV002658488.27), dbSNP rs975974165, ClinGen allele CA174061764.

ClinVar aggregate classification (germline): Uncertain significance. Review status: criteria provided, multiple submitters, no conflicts (2 of 4 stars). 2 submissions from 2 submitters: Uncertain significance (2). Last evaluated 2023-10-24.

Conditions:
Charcot-Marie-Tooth disease type 2E (CMT2E). Also called: CHARCOT-MARIE-TOOTH DISEASE, AXONAL, TYPE 2E; CHARCOT-MARIE-TOOTH NEUROPATHY, TYPE 2E. Identifiers: Orphanet 99939, MedGen C1843225, MONDO:0011894, OMIM 607684.

Allele frequency attached by ClinVar (database versions not stated): gnomAD exomes below 0.00001; TOPMed 0.00001.

Submissions (2):

Labcorp Genetics (formerly Invitae), Labcorp
Classification: Uncertain significance for Charcot-Marie-Tooth disease type 2E. Last evaluated: 2023-10-24. Review status: criteria provided, single submitter. Criteria: Invitae Variant Classification Sherloc (09022015). Collection method: clinical testing. Allele origin: germline.
Comment: This sequence change replaces methionine, which is neutral and non-polar, with threonine, which is neutral and polar, at codon 65 of the NEFL protein (p.Met65Thr). The frequency data for this variant in the population databases is considered unreliable, as metrics indicate poor data quality at this position in the gnomAD database. This variant has not been reported in the literature in individuals affected with NEFL-related conditions. Advanced modeling of protein sequence and biophysical properties (such as structural, functional, and spatial information, amino acid conservation, physicochemical variation, residue mobility, and thermodynamic stability) performed at Invitae indicates that this missense variant is not expected to disrupt NEFL protein function with a negative predictive value of 80%. In summary, the available evidence is currently insufficient to determine the role of this variant in disease. Therefore, it has been classified as a Variant of Uncertain Significance.

CeGaT Center for Human Genetics Tuebingen
Classification: Uncertain significance. Last evaluated: 2023-05-01. Review status: criteria provided, single submitter. Criteria: CeGaT Center For Human Genetics Tuebingen Variant Classification Criteria Version 2. Collection method: clinical testing. Allele origin: germline. Affected: yes. Observed: 1 variant allele.
Comment: NEFL: PM2, BP4